The following is an entry in ClinVar:

ClinVar aggregate classification (germline): Pathogenic (1 of 4 stars; one submission).

Conditions:
Familial focal epilepsy with variable foci (FPEVF). Identifiers: Orphanet 98820, MedGen C1858477, MONDO:0020310.

Submission:

Labcorp Genetics (formerly Invitae), Labcorp
Classification: Pathogenic for Familial focal epilepsy with variable foci. Last evaluated: 2022-01-06. Review status: criteria provided, single submitter. Criteria: Invitae Variant Classification Sherloc (09022015). Collection method: clinical testing. Allele origin: germline.
Comment: For these reasons, this variant has been classified as Pathogenic. A similar copy number variant has been observed in individuals with clinical features of DEPDC5-related conditions (Invitae). This variant results in a copy number gain of the genomic region encompassing exon(s) 5-7 of the DEPDC5 gene. While the exact position of this variant cannot be determined from the data, sub-genic copy number gains are generally in tandem (PMID: 25640679). This variant is predicted to be out-of-frame, and may result in an absent or disrupted protein product. Loss-of-function variants in DEPDC5 are known to be pathogenic (PMID: 23542697, 23542701).

Literature cited by the submitters: PubMed 25640679; PubMed 23542697; PubMed 23542701.

NC_000022.11:g.(?_31764955)_(31768883_?)dup

Gene: DEPDC5 (DEP domain containing 5, GATOR1 subcomplex subunit; plus strand). Cytogenetic location: 22q12.2.
Variant type: Duplication.
Identifiers: ClinVar variation 832362 (VCV000832362.6).